The following is an entry in ClinVar:

NM_006904.7(PRKDC):c.3058C>T (p.Pro1020Ser)

Gene: PRKDC (protein kinase, DNA-activated, catalytic subunit; minus strand). Cytogenetic location: 8q11.21.
Variant type: single nucleotide variant.
Coding change: c.3058C>T on transcript NM_006904.7 (MANE Select); coding-DNA position 3058, C replaced by T.
Protein change: p.Pro1020Ser; replaces proline 1020 with serine.
Molecular consequence: missense variant.
Genome position (GRCh38, 1-based): chr8:47,902,780, G>A on the plus strand (C>T on the coding strand, the complement: PRKDC is on the minus strand). VCF-style: chr8-47902780-G-A. GRCh37 (hg19) VCF-style: chr8-48815340-G-A.
Other names: c.3058C>T, p.Pro1020Ser (NM_001081640.2); short protein forms P1020S.
Identifiers: ClinVar variation 3310120 (VCV003310120.1).
Genomic context (GRCh38, chr8:47,902,780, plus strand): 5'-ACCATTTAAGGAATTCTCGAATACACCGACCACAAAAATCTCTTAAAGTACTGTCAACAG[G>A]GTCCACAATTCCATCCTGAAACAAAACAAAGAGACCTTGATTGTACTAATTTTTATAACC-3'
Protein context (NP_008835.5, residues 1010-1030): LEAILDGIVD[Pro1020Ser]VDSTLRDFCG

ClinVar aggregate classification (germline): Uncertain significance (1 of 4 stars; one submission).

gnomAD v4.1: 1 of 1,606,526 alleles (0.000062%); highest among the groups gnomAD compares: Non-Finnish European, 0.000085%; no homozygotes.

Submission:

Ambry Genetics
Classification: Uncertain significance. Last evaluated: 2024-04-18. Review status: criteria provided, single submitter. Criteria: Ambry Variant Classification Scheme 2023. Collection method: clinical testing. Allele origin: germline.
Comment: The p.P1020S variant (also known as c.3058C>T), located in coding exon 27 of the PRKDC gene, results from a C to T substitution at nucleotide position 3058. The proline at codon 1020 is replaced by serine, an amino acid with similar properties. This amino acid position is conserved. In addition, this alteration is predicted to be tolerated by in silico analysis. Based on the available evidence, the clinical significance of this variant remains unclear.